The following is an entry in ClinVar:

ClinVar aggregate classification (germline): Uncertain significance (1 of 4 stars; one submission).

Conditions:
Hereditary cancer-predisposing syndrome. Also called: Tumor predisposition; Hereditary neoplastic syndrome; Neoplastic Syndromes, Hereditary; Hereditary Cancer Syndrome. Identifiers: Orphanet 140162, MedGen C0027672, MeSH D009386, MONDO:0015356.

Submission:

Ambry Genetics
Classification: Uncertain significance for Hereditary cancer-predisposing syndrome. Last evaluated: 2025-06-02. Review status: criteria provided, single submitter. Criteria: Ambry Variant Classification Scheme 2023. Collection method: clinical testing. Allele origin: germline.
Comment: The p.D310E variant (also known as c.930T>G), located in coding exon 2 of the AXIN2 gene, results from a T to G substitution at nucleotide position 930. The aspartic acid at codon 310 is replaced by glutamic acid, an amino acid with highly similar properties. This amino acid position is conserved. In addition, the in silico prediction for this alteration is inconclusive. Based on the available evidence, the clinical significance of this variant remains unclear.

NM_004655.4(AXIN2):c.930T>G (p.Asp310Glu)

Gene: AXIN2 (axin 2; minus strand). Cytogenetic location: 17q24.1.
Variant type: single nucleotide variant.
Coding change: c.930T>G on transcript NM_004655.4 (MANE Select); coding-DNA position 930, T replaced by G.
Protein change: p.Asp310Glu; replaces aspartic acid 310 with glutamic acid.
Molecular consequence: missense variant.
Genome position (GRCh38, 1-based): chr17:65,549,546, A>C on the plus strand (T>G on the coding strand, the complement: AXIN2 is on the minus strand). VCF-style: chr17-65549546-A-C. GRCh37 (hg19) VCF-style: chr17-63545664-A-C.
Other names: c.930T>G, p.Asp310Glu (NM_001363813.1); short protein forms D310E.
Identifiers: ClinVar variation 3981271 (VCV003981271.1).